The following is an entry in ClinVar:

ClinVar aggregate classification (germline): Conflicting classifications of pathogenicity. Review status: criteria provided, conflicting classifications (1 of 4 stars). 5 submissions from 5 submitters: Uncertain significance (4); Likely benign (1). Last evaluated 2025-07-02.

Conditions:
Hereditary cancer-predisposing syndrome. Also called: Tumor predisposition; Hereditary neoplastic syndrome; Hereditary Cancer Syndrome; Neoplastic Syndromes, Hereditary. Identifiers: Orphanet 140162, MedGen C0027672, MeSH D009386, MONDO:0015356.
Hereditary breast ovarian cancer syndrome. Also called: Hereditary breast and ovarian cancer; Breast and ovarian cancer; Hereditary breast and ovarian cancer syndrome; BRCA1- and BRCA2-Associated Hereditary Breast and Ovarian Cancer; Hereditary breast and/or ovarian cancer syndrome; Hereditary breast and ovarian cancer syndrome (HBOC). Identifiers: Orphanet 145, MedGen C0677776, MeSH D061325, MONDO:0003582. Disease mechanism: loss of function.

Submissions (5):

Color Diagnostics, LLC DBA Color Health
Classification: Uncertain significance for Hereditary cancer-predisposing syndrome. Last evaluated: 2025-07-02. Review status: criteria provided, single submitter. Criteria: ACMG Guidelines, 2015. Collection method: clinical testing. Allele origin: germline.
Comment: This missense variant replaces leucine with valine at codon 598 of the BRCA1 protein. Computational prediction is inconclusive regarding the impact of this variant on protein structure and function. To our knowledge, functional studies have not been reported for this variant. A multifactorial analysis has reported a likelihood ratio for pathogenicity based on personal and family history of 0.317 from log(LR)=-0.4986 for one carrier (PMID: 31853058). This variant has not been identified in the general population by the Genome Aggregation Database (gnomAD). The available evidence is insufficient to determine the role of this variant in disease conclusively. Therefore, this variant is classified as a Variant of Uncertain Significance.

Quest Diagnostics Nichols Institute San Juan Capistrano
Classification: Uncertain significance. Last evaluated: 2024-11-20. Review status: criteria provided, single submitter. Criteria: Quest Diagnostics criteria. Collection method: clinical testing. Allele origin: unknown.
Comment: The BRCA1 c.1792T>G (p.Leu598Val) variant has been reported in the published literature to be located in a region of the BRCA1 gene that is tolerant to missense changes (PMID: 31911673 (2020)). It has also been identified in an individual undergoing multigene panel testing with a personal and or/family history of cancer (PMID: 31853058 (2020)). This variant has not been reported in large, multi-ethnic general populations (Genome Aggregation Database). Analysis of this variant using bioinformatics tools for the prediction of the effect of amino acid changes on protein structure and function yielded conflicting predictions that this variant is benign or damaging. Based on the available information, we are unable to determine the clinical significance of this variant.

Ambry Genetics
Classification: Uncertain significance for Hereditary cancer-predisposing syndrome. Last evaluated: 2024-10-25. Review status: criteria provided, single submitter. Criteria: Ambry Variant Classification Scheme 2023. Collection method: clinical testing. Allele origin: germline.
Comment: The p.L598V variant (also known as c.1792T>G), located in coding exon 9 of the BRCA1 gene, results from a T to G substitution at nucleotide position 1792. The leucine at codon 598 is replaced by valine, an amino acid with highly similar properties. This amino acid position is well conserved in available vertebrate species. In addition, the in silico prediction for this alteration is inconclusive. Based on the available evidence, the clinical significance of this variant remains unclear.

Labcorp Genetics (formerly Invitae), Labcorp
Classification: Uncertain significance for Hereditary breast ovarian cancer syndrome. Last evaluated: 2024-05-22. Review status: criteria provided, single submitter. Criteria: Invitae Variant Classification Sherloc (09022015). Collection method: clinical testing. Allele origin: germline.
Comment: This sequence change replaces leucine, which is neutral and non-polar, with valine, which is neutral and non-polar, at codon 598 of the BRCA1 protein (p.Leu598Val). This variant is not present in population databases (gnomAD no frequency). This variant has not been reported in the literature in individuals affected with BRCA1-related conditions. ClinVar contains an entry for this variant (Variation ID: 575985). Advanced modeling of protein sequence and biophysical properties (such as structural, functional, and spatial information, amino acid conservation, physicochemical variation, residue mobility, and thermodynamic stability) performed at Invitae indicates that this missense variant is not expected to disrupt BRCA1 protein function with a negative predictive value of 95%. In summary, the available evidence is currently insufficient to determine the role of this variant in disease. Therefore, it has been classified as a Variant of Uncertain Significance.

University of Washington Department of Laboratory Medicine, University of Washington
Classification: Likely benign for Hereditary cancer-predisposing syndrome. Last evaluated: 2023-03-23. Review status: criteria provided, single submitter. Criteria: Dines et al. (Genet Med. 2020). Collection method: curation. Allele origin: germline.
Comment: Missense variant in a coldspot region where missense variants are very unlikely to be pathogenic (PMID:31911673).

BRCA1 coldspot (exon 11 using historical exon numbering). Reclassification based on statistical prior probability

Literature cited by the submitters: PubMed 31853058 (cited by Color Diagnostics, LLC DBA Color Health and Quest Diagnostics Nichols Institute San Juan Capistrano); PubMed 31911673 (cited by Quest Diagnostics Nichols Institute San Juan Capistrano).

NM_007294.4(BRCA1):c.1792T>G (p.Leu598Val)

Gene: BRCA1 (BRCA1 DNA repair associated; minus strand). Cytogenetic location: 17q21.31.
Variant type: single nucleotide variant.
Coding change: c.1792T>G on transcript NM_007294.4 (MANE Select); coding-DNA position 1792, T replaced by G.
Protein change: p.Leu598Val; replaces leucine 598 with valine.
Molecular consequence: missense variant. On other transcripts: intron variant (137).
Genome position (GRCh38, 1-based): chr17:43,093,739, A>C on the plus strand (T>G on the coding strand, the complement: BRCA1 is on the minus strand). VCF-style: chr17-43093739-A-C. GRCh37 (hg19) VCF-style: chr17-41245756-A-C.
Other names: c.1666T>G, p.Leu556Val (NM_001407689.1, NM_001407690.1, NM_001407691.1 and 11 more transcripts); c.1792T>G, p.Leu598Val (NM_001407583.1, NM_001407585.1, NM_001407598.1 and 30 more transcripts); c.1783T>G, p.Leu595Val (NM_001407646.1, NM_001407647.1); c.1789T>G, p.Leu597Val (NM_001407587.1, NM_001407590.1, NM_001407591.1 and 22 more transcripts); c.1669T>G, p.Leu557Val (NM_001407648.1, NM_001407863.1, NM_001407937.1 and 19 more transcripts); c.1714T>G, p.Leu572Val (NM_001407656.1, NM_001407653.1, NM_001407654.1 and 4 more transcripts); c.1651T>G, p.Leu551Val (NM_001407724.1, NM_001407692.1, NM_001407694.1 and 29 more transcripts); c.1648T>G, p.Leu550Val (NM_001407740.1, NM_001407741.1, NM_001407742.1 and 20 more transcripts); and 40 more; short protein forms L598V, L551V, L510V, L527V, L550V, L597V, L470V, L471V.
Identifiers: ClinVar variation 575985 (VCV000575985.16), dbSNP rs1060504554, ClinGen allele CA10598436.